The following is an entry in ClinVar:

NM_020203.6(MEPE):c.851G>T (p.Gly284Val)

Genes: MEPE-AS1 (MEPE and IBSP antisense RNA 1; minus strand), MEPE (matrix extracellular phosphoglycoprotein; plus strand). Cytogenetic location: 4q22.1.
Variant type: single nucleotide variant.
Coding change: c.851G>T on transcript NM_020203.6 (MANE Select); coding-DNA position 851, G replaced by T.
Protein change: p.Gly284Val; replaces glycine 284 with valine.
Molecular consequence: missense variant.
Genome position (GRCh38, 1-based): chr4:87,845,719, G>T. VCF-style: chr4-87845719-G-T. GRCh37 (hg19) VCF-style: chr4-88766871-G-T.
Other names: c.851G>T, p.Gly284Val (NM_001184694.3); c.512G>T, p.Gly171Val (NM_001184695.4, NM_001184696.2, NM_001184697.2); c.944G>T, p.Gly315Val (NM_001291183.2); c.944G>T (NM_001291183.1); short protein forms G171V, G284V, G315V.
Identifiers: ClinVar variation 2403047 (VCV002403047.3), dbSNP rs765908926, ClinGen allele CA3002736.

ClinVar aggregate classification (germline): Uncertain significance. Review status: criteria provided, multiple submitters, no conflicts (2 of 4 stars). 2 submissions from 2 submitters: Uncertain significance (2). Last evaluated 2026-04-25.

Conditions:
MEPE-related disorder. Also called: MEPE-related condition.

Allele frequency attached by ClinVar (database versions not stated): gnomAD exomes 0.00001; ExAC 0.00002; TOPMed 0.00002.
gnomAD v4.1: 9 of 1,613,836 alleles (0.00056%); highest among the groups gnomAD compares: Admixed American, 0.0083%; no homozygotes.

Submissions (2):

PreventionGenetics, part of Exact Sciences
Classification: Uncertain significance for MEPE-related condition. Last evaluated: 2026-04-25. Review status: criteria provided, single submitter. Criteria: ACMG Guidelines, 2015. Collection method: clinical testing. Allele origin: germline.
Comment: The MEPE c.944G>T variant is predicted to result in the amino acid substitution p.Gly315Val. To our knowledge, this variant has not been reported in the literature. This variant is reported in 0.014% of alleles in individuals of Latino descent in gnomAD. At this time, the clinical significance of this variant is uncertain due to the absence of conclusive functional and genetic evidence.

Ambry Genetics
Classification: Uncertain significance. Last evaluated: 2021-09-17. Review status: criteria provided, single submitter. Criteria: Ambry Variant Classification Scheme 2023. Collection method: clinical testing. Allele origin: germline.